The following is an entry in ClinVar:

NM_004380.3(CREBBP):c.1399G>A (p.Ala467Thr)

Gene: CREBBP (CREB binding lysine acetyltransferase; minus strand). Cytogenetic location: 16p13.3.
Variant type: single nucleotide variant.
Coding change: c.1399G>A on transcript NM_004380.3 (MANE Select); coding-DNA position 1399, G replaced by A.
Protein change: p.Ala467Thr; replaces alanine 467 with threonine.
Molecular consequence: missense variant.
Genome position (GRCh38, 1-based): chr16:3,782,858, C>T on the plus strand (G>A on the coding strand, the complement: CREBBP is on the minus strand). VCF-style: chr16-3782858-C-T. GRCh37 (hg19) VCF-style: chr16-3832859-C-T.
Other names: c.1285G>A, p.Ala429Thr (NM_001079846.1); short protein forms A467T, A429T.
Identifiers: ClinVar variation 133942 (VCV000133942.37), dbSNP rs202225861, ClinGen allele CA158203.

ClinVar aggregate classification (germline): Benign/Likely benign. Review status: criteria provided, multiple submitters, no conflicts (2 of 4 stars). 8 submissions from 8 submitters: Benign (1); Likely benign (5). 2 of the submissions do not count toward it. Last evaluated 2025-12-08.

Conditions:
CREBBP-related disorder. Also called: CREBBP-related condition; CREBBP-related disorders.
Rubinstein-Taybi syndrome (RSTS). Identifiers: Orphanet 783, MedGen C0035934, MONDO:0019188.

Allele frequency attached by ClinVar (database versions not stated): ExAC 0.00017; gnomAD exomes 0.00018 and 0.00041; gnomAD 0.00019; TOPMed 0.00022; ESP Exome Variant Server 0.00031.
gnomAD v4.1: 647 of 1,614,050 alleles (0.04%); highest among the groups gnomAD compares: Non-Finnish European, 0.051%; 1 homozygote.

Submissions (8):

Labcorp Genetics (formerly Invitae), Labcorp
Classification: Likely benign for Rubinstein-Taybi syndrome. Last evaluated: 2025-12-08. Review status: criteria provided, single submitter. Criteria: Invitae Variant Classification Sherloc (09022015). Collection method: clinical testing. Allele origin: germline.

Blueprint Genetics
Classification: Likely benign. Last evaluated: 2024-08-15. Review status: criteria provided, single submitter. Criteria: ACMG Guidelines, 2015. Collection method: clinical testing. Allele origin: germline.

CeGaT Center for Human Genetics Tuebingen
Classification: Likely benign. Last evaluated: 2023-11-01. Review status: criteria provided, single submitter. Criteria: CeGaT Center For Human Genetics Tuebingen Variant Classification Criteria Version 2. Collection method: clinical testing. Allele origin: germline. Affected: yes. Observed: 1 variant allele.
Comment: CREBBP: BP4

Department of Pathology and Laboratory Medicine, Sinai Health System
Classification: Likely benign for Rubinstein-Taybi syndrome. Last evaluated: 2021-08-12. Review status: criteria provided, single submitter. Criteria: ACMG Guidelines, 2015. Collection method: research. Allele origin: germline.

GeneDx
Classification: Benign. Last evaluated: 2020-09-30. Review status: criteria provided, single submitter. Criteria: GeneDx Variant Classification Process June 2021. Collection method: clinical testing. Allele origin: germline. Affected: yes.
Comment: This variant is associated with the following publications: (PMID: 27378171, 15937088)

Breakthrough Genomics
Classification: Likely benign. Review status: criteria provided, single submitter. Criteria: ACMG Guidelines, 2015. Collection method: not provided. Allele origin: germline. Inheritance: Autosomal dominant inheritance. Affected: yes.

PreventionGenetics, part of Exact Sciences
Classification: Likely benign for CREBBP-related condition. Last evaluated: 2022-03-24. Review status: no assertion criteria provided. Collection method: clinical testing. Allele origin: germline. Not counted in ClinVar's aggregate classification.
Comment: This variant is classified as likely benign based on ACMG/AMP sequence variant interpretation guidelines (Richards et al. 2015 PMID: 25741868, with internal and published modifications).

ITMI
No classification provided. Condition: AllHighlyPenetrant. Last evaluated: 2013-09-19. Review status: no classification provided. Collection method: reference population. Allele origin: germline. Not counted in ClinVar's aggregate classification.
Comment: Please see associated publication for description of ethnicities

Literature cited by the submitters: PubMed 24728327 (cited by ITMI).